The following is an entry in ClinVar:

ClinVar aggregate classification (germline): Likely benign (1 of 4 stars; one submission).

gnomAD v4.1: 11 of 1,613,792 alleles (0.00068%); highest among the groups gnomAD compares: South Asian, 0.0011%; no homozygotes.

Submission:

CeGaT Center for Human Genetics Tuebingen
Classification: Likely benign. Last evaluated: 2024-10-01. Review status: criteria provided, single submitter. Criteria: CeGaT Center For Human Genetics Tuebingen Variant Classification Criteria Version 2. Collection method: clinical testing. Allele origin: germline. Affected: yes. Observed: 1 variant allele.
Comment: SETD2: BS2

NM_014159.7(SETD2):c.7271G>A (p.Ser2424Asn)

Gene: SETD2 (SET domain containing 2, histone lysine methyltransferase; minus strand). Cytogenetic location: 3p21.31.
Variant type: single nucleotide variant.
Coding change: c.7271G>A on transcript NM_014159.7 (MANE Select); coding-DNA position 7271, G replaced by A.
Protein change: p.Ser2424Asn; replaces serine 2424 with asparagine.
Molecular consequence: missense variant. On other transcripts: non-coding transcript variant (1).
Genome position (GRCh38, 1-based): chr3:47,037,745, C>T on the plus strand (G>A on the coding strand, the complement: SETD2 is on the minus strand). VCF-style: chr3-47037745-C-T. GRCh37 (hg19) VCF-style: chr3-47079235-C-T.
Other names: c.7139G>A, p.Ser2380Asn (NM_001349370.3); short protein forms S2380N, S2424N.
Identifiers: ClinVar variation 3388080 (VCV003388080.14).